The following is an entry in ClinVar:

NM_004409.5(DMPK):c.*224CTG[395]

Genes: DM1-AS (DM1 locus antisense RNA; plus strand), DMPK (DM1 protein kinase; minus strand), LOC107075317 (origin of replication in DMPK trinucleotide repeat region; plus strand), LOC109461477 (dystrophia myotonica protein kinase repeat instability region; plus strand). Cytogenetic location: 19q13.32.
Variant type: Microsatellite.
Coding change: c.*224CTG[395] on transcript NM_004409.5 (MANE Select); 395 copies in a row of the 3-base unit CTG starting at c.*224.
Molecular consequence: 3 prime UTR variant.
Genome position: GRCh38, VCF-style position (the base before the change): chr19:45,770,204. GRCh37 (hg19), VCF-style position (the base before the change): chr19:46,273,462.
Other names: DM1 CTG repeat expansion; c.*224CTG[395] (NM_001424165.1, NM_001081560.3, NM_001288764.2 and 1 more transcripts); c.*217CTG[395] (NM_001424166.1, NM_001081562.3, NM_001288765.2 and 2 more transcripts); c.*369CTG[395] (NM_001424164.1, NM_001288766.2, NM_001424168.1); c.*222_*224TGC[395] (NM_001081563.3).
Identifiers: ClinVar variation 187975 (VCV000187975.2), ClinGen allele CA915951788.

ClinVar aggregate classification (germline): Pathogenic (0 of 4 stars; one submission).

Conditions:
Steinert myotonic dystrophy syndrome (DM1). Also called: STEINERT DISEASE; Myotonic dystrophy type 1; Dystrophia myotonica type 1; Steinert myotonic dystrophy; Steinert's disease. Identifiers: Orphanet 273, MedGen C3250443, MONDO:0008056, OMIM 160900.

Submission:

Institute of Molecular, Cell and Systems Biology, University of Glasgow
Classification: Pathogenic for Steinert myotonic dystrophy syndrome. Review status: no assertion criteria provided. Criteria: research. Collection method: research. Allele origin: germline. Inheritance: Autosomal dominant inheritance. Affected: yes. Observed: 2 heterozygotes.
Comment: DMPK CTG repeat expansions greater than approximately 45-50 repeats are assumed to be pathogenic

This record is based on data published in PubMed 25052313, which reports only ClinVar accessions SCV000120188 and SCV000120189. The complete data set includes SCV000207445 - SCV000207579.

Literature cited by the submitters: PubMed 1346923; PubMed 1546326; PubMed 25052313.